The following is an entry in ClinVar:

ClinVar aggregate classification (germline): Likely benign (1 of 4 stars; one submission).

Allele frequency attached by ClinVar (database versions not stated): 1000 Genomes Project 0.01138; 1000 Genomes Project 30x 0.01374; TOPMed 0.02053.
gnomAD v4.1: 3,540 of 149,146 alleles (2.4%); highest among the groups gnomAD compares: Non-Finnish European, 3.3%; 64 homozygotes.

Submission:

GeneDx
Classification: Likely benign. Last evaluated: 2018-06-14. Review status: criteria provided, single submitter. Criteria: GeneDx Variant Classification (06012015). Collection method: clinical testing. Allele origin: germline. Affected: yes.
Comment: This variant is considered likely benign or benign based on one or more of the following criteria: it is a conservative change, it occurs at a poorly conserved position in the protein, it is predicted to be benign by multiple in silico algorithms, and/or has population frequency not consistent with disease.

NM_001035.3(RYR2):c.6555+294A>G

Gene: RYR2 (ryanodine receptor 2; plus strand). Cytogenetic location: 1q43.
Variant type: single nucleotide variant.
Coding change: c.6555+294A>G on transcript NM_001035.3 (MANE Select); 294 bases into the intron after coding-DNA position 6555, A replaced by G.
Molecular consequence: intron variant.
Genome position (GRCh38, 1-based): chr1:237,631,835, A>G. VCF-style: chr1-237631835-A-G. GRCh37 (hg19) VCF-style: chr1-237795135-A-G.
Identifiers: ClinVar variation 669854 (VCV000669854.1), dbSNP rs148211318, ClinGen allele CA10707507.